The following is an entry in ClinVar:

ClinVar aggregate classification (germline): Uncertain significance. Review status: criteria provided, multiple submitters, no conflicts (2 of 4 stars). 2 submissions from 2 submitters: Uncertain significance (2). Last evaluated 2025-06-11.

Conditions:
Inborn genetic diseases. Identifiers: MedGen C0950123, MeSH D030342.

Allele frequency attached by ClinVar (database versions not stated): gnomAD exomes below 0.00001 and 0.00001; TOPMed 0.00002; gnomAD 0.00003.
gnomAD v4.1: 10 of 1,611,454 alleles (0.00062%); highest among the groups gnomAD compares: African/African-American, 0.0067%; no homozygotes.

Submissions (2):

Labcorp Genetics (formerly Invitae), Labcorp
Classification: Uncertain significance. Last evaluated: 2025-06-11. Review status: criteria provided, single submitter. Criteria: Invitae Variant Classification Sherloc (09022015). Collection method: clinical testing. Allele origin: germline.
Comment: This sequence change replaces aspartic acid, which is acidic and polar, with asparagine, which is neutral and polar, at codon 647 of the CAMK2B protein (p.Asp647Asn). The frequency data for this variant in the population databases is considered unreliable, as metrics indicate poor data quality at this position in the gnomAD database. This variant has not been reported in the literature in individuals affected with CAMK2B-related conditions. ClinVar contains an entry for this variant (Variation ID: 985763). An algorithm developed to predict the effect of missense changes on protein structure and function (PolyPhen-2) suggests that this variant is likely to be tolerated. In summary, the available evidence is currently insufficient to determine the role of this variant in disease. Therefore, it has been classified as a Variant of Uncertain Significance.

Ambry Genetics
Classification: Uncertain significance for Inborn genetic diseases. Last evaluated: 2018-07-10. Review status: criteria provided, single submitter. Criteria: Ambry exome assertion method (8-5-2015). Collection method: clinical testing. Allele origin: germline. Affected: yes. Observed: 1 variant allele.

NM_001220.5(CAMK2B):c.1939G>A (p.Asp647Asn)

Gene: CAMK2B (calcium/calmodulin dependent protein kinase II beta; minus strand). Cytogenetic location: 7p13.
Variant type: single nucleotide variant.
Coding change: c.1939G>A on transcript NM_001220.5 (MANE Select); coding-DNA position 1939, G replaced by A.
Protein change: p.Asp647Asn; replaces aspartic acid 647 with asparagine.
Molecular consequence: missense variant.
Genome position (GRCh38, 1-based): chr7:44,220,124, C>T on the plus strand (G>A on the coding strand, the complement: CAMK2B is on the minus strand). VCF-style: chr7-44220124-C-T. GRCh37 (hg19) VCF-style: chr7-44259723-C-T.
Other names: c.1567G>A, p.Asp523Asn (NM_001293170.2, NM_172078.3); c.1495G>A, p.Asp499Asn (NM_172079.3); c.1492G>A, p.Asp498Asn (NM_172080.3); c.1450G>A, p.Asp484Asn (NM_172081.3); c.1417G>A, p.Asp473Asn (NM_172082.3); c.1378G>A, p.Asp460Asn (NM_172083.3); c.1288G>A, p.Asp430Asn (NM_172084.3); short protein forms D430N, D460N, D473N, D484N, D498N, D499N, D523N, D647N.
Identifiers: ClinVar variation 985763 (VCV000985763.8), dbSNP rs1489151076, ClinGen allele CA367368101.
Genomic context (GRCh38, chr7:44,220,124, plus strand): 5'-ACTGCAGCGGGGCCACAGGCGCGCCCGAGCAGTGGAAGTGCACGTTCTGCCACTTGCCGT[C>T]GCGGCGGTGCCACACGCGGGTCTCCTCAGACTGGCTGGTGCGGGGCCGGCCCTGCCCGTC-3'
Protein context (NP_001211.3, residues 637-657): SEETRVWHRR[Asp647Asn]GKWQNVHFHC